The following is an entry in ClinVar:

ClinVar aggregate classification (germline): Uncertain significance. Review status: criteria provided, multiple submitters, no conflicts (2 of 4 stars). 2 submissions from 2 submitters: Uncertain significance (2). Last evaluated 2025-03-24.

Conditions:
Dystonic disorder. Also called: Dystonia. Identifiers: MedGen C0013421, MONDO:0003441, HP:0001332.

Allele frequency attached by ClinVar (database versions not stated): TOPMed below 0.00001; ExAC 0.00007.

Submissions (2):

Ambry Genetics
Classification: Uncertain significance. Last evaluated: 2025-03-24. Review status: criteria provided, single submitter. Criteria: Ambry Variant Classification Scheme 2023. Collection method: clinical testing. Allele origin: germline.

Labcorp Genetics (formerly Invitae), Labcorp
Classification: Uncertain significance for Dystonic disorder. Last evaluated: 2023-01-11. Review status: criteria provided, single submitter. Criteria: Invitae Variant Classification Sherloc (09022015). Collection method: clinical testing. Allele origin: germline.
Comment: This sequence change replaces leucine, which is neutral and non-polar, with proline, which is neutral and non-polar, at codon 896 of the CIZ1 protein (p.Leu896Pro). This variant is not present in population databases (gnomAD no frequency). This variant has not been reported in the literature in individuals affected with CIZ1-related conditions. Algorithms developed to predict the effect of missense changes on protein structure and function (SIFT, PolyPhen-2, Align-GVGD) all suggest that this variant is likely to be disruptive. In summary, the available evidence is currently insufficient to determine the role of this variant in disease. Therefore, it has been classified as a Variant of Uncertain Significance.

NM_001131016.2(CIZ1):c.2687T>C (p.Leu896Pro)

Gene: CIZ1 (CDKN1A interacting zinc finger protein 1; minus strand). Cytogenetic location: 9q34.11.
Variant type: single nucleotide variant.
Coding change: c.2687T>C on transcript NM_001131016.2 (MANE Select); coding-DNA position 2687, T replaced by C.
Protein change: p.Leu896Pro; replaces leucine 896 with proline.
Molecular consequence: missense variant.
Genome position (GRCh38, 1-based): chr9:128,166,207, A>G on the plus strand (T>C on the coding strand, the complement: CIZ1 is on the minus strand). VCF-style: chr9-128166207-A-G. GRCh37 (hg19) VCF-style: chr9-130928486-A-G.
Other names: c.2519T>C, p.Leu840Pro (NM_001131015.2); c.2504T>C, p.Leu835Pro (NM_001131017.2); c.2447T>C, p.Leu816Pro (NM_001131018.2); c.2855T>C, p.Leu952Pro (NM_001257975.2); c.2384T>C, p.Leu795Pro (NM_001257976.2); c.2687T>C, p.Leu896Pro (NM_012127.3); c.2687T>C (NM_012127.2); short protein forms L840P, L952P, L795P, L816P, L835P, L896P.
Identifiers: ClinVar variation 2916866 (VCV002916866.4), dbSNP rs757332837, ClinGen allele CA5256946.